The following is an entry in ClinVar:

ClinVar aggregate classification (germline): Uncertain significance. Review status: criteria provided, multiple submitters, no conflicts (2 of 4 stars). 4 submissions from 4 submitters: Uncertain significance (4). Last evaluated 2023-07-11.

Conditions:
Hereditary cancer-predisposing syndrome. Also called: Neoplastic Syndromes, Hereditary; Hereditary Cancer Syndrome; Tumor predisposition; Hereditary neoplastic syndrome. Identifiers: Orphanet 140162, MedGen C0027672, MeSH D009386, MONDO:0015356.
Familial cancer of breast. Also called: Hereditary breast cancer; BREAST CANCER, FAMILIAL; hereditary breast carcinoma. Identifiers: Orphanet 227535, MedGen C0346153, MONDO:0016419, OMIM 114480. Disease mechanism: loss of function.
Ataxia-telangiectasia syndrome (AT). Also called: LOUIS-BAR SYNDROME; Cerebello-oculocutaneous telangiectasia; Immunodeficiency with ataxia telangiectasia; Ataxia-telangiectasia, complementation group D; AT, COMPLEMENTATION GROUP C; Ataxia-telangiectasia, complementation group E. Identifiers: Orphanet 100, MedGen C0004135, MONDO:0008840, OMIM 208900.

Allele frequency attached by ClinVar (database versions not stated): gnomAD 0.00001; TOPMed below 0.00001.
gnomAD v4.1: 2 of 1,613,980 alleles (0.00012%); highest among the groups gnomAD compares: Non-Finnish European, 0.000085%; no homozygotes.

Submissions (4):

Baylor Genetics
Classification: Uncertain significance for Familial cancer of breast. Last evaluated: 2023-07-11. Review status: criteria provided, single submitter. Criteria: ACMG Guidelines, 2015. Collection method: clinical testing. Allele origin: unknown.

Labcorp Genetics (formerly Invitae), Labcorp
Classification: Uncertain significance for Ataxia-telangiectasia syndrome. Last evaluated: 2021-11-05. Review status: criteria provided, single submitter. Criteria: Invitae Variant Classification Sherloc (09022015). Collection method: clinical testing. Allele origin: germline.
Comment: This sequence change replaces serine, which is neutral and polar, with asparagine, which is neutral and polar, at codon 2310 of the ATM protein (p.Ser2310Asn). This variant is not present in population databases (gnomAD no frequency). This variant has not been reported in the literature in individuals affected with ATM-related conditions. ClinVar contains an entry for this variant (Variation ID: 453651). Advanced modeling of protein sequence and biophysical properties (such as structural, functional, and spatial information, amino acid conservation, physicochemical variation, residue mobility, and thermodynamic stability) performed at Invitae indicates that this missense variant is not expected to disrupt ATM protein function. In summary, the available evidence is currently insufficient to determine the role of this variant in disease. Therefore, it has been classified as a Variant of Uncertain Significance.

Ambry Genetics
Classification: Uncertain significance for Hereditary cancer-predisposing syndrome. Last evaluated: 2019-09-28. Review status: criteria provided, single submitter. Criteria: Ambry Variant Classification Scheme 2023. Collection method: clinical testing. Allele origin: germline.
Comment: The p.S2310N variant (also known as c.6929G>A), located in coding exon 46 of the ATM gene, results from a G to A substitution at nucleotide position 6929. The serine at codon 2310 is replaced by asparagine, an amino acid with highly similar properties. This amino acid position is not well conserved in available vertebrate species. In addition, this alteration is predicted to be tolerated by in silico analysis. Since supporting evidence is limited at this time, the clinical significance of this alteration remains unclear.

Mendelics
Classification: Uncertain significance for Ataxia-telangiectasia syndrome. Last evaluated: 2019-05-28. Review status: criteria provided, single submitter. Criteria: Mendelics Assertion Criteria 2017. Collection method: clinical testing. Allele origin: unknown.

NM_000051.4(ATM):c.6929G>A (p.Ser2310Asn)

Genes: ATM (ATM serine/threonine kinase; plus strand), C11orf65 (chromosome 11 open reading frame 65; minus strand). Cytogenetic location: 11q22.3.
Variant type: single nucleotide variant.
Coding change: c.6929G>A on transcript NM_000051.4 (MANE Select); coding-DNA position 6929, G replaced by A.
Protein change: p.Ser2310Asn; replaces serine 2310 with asparagine.
Molecular consequence: missense variant. On other transcripts: intron variant (2).
Genome position (GRCh38, 1-based): chr11:108,326,179, G>A. VCF-style: chr11-108326179-G-A. GRCh37 (hg19) VCF-style: chr11-108196906-G-A.
Other names: c.6929G>A, p.Ser2310Asn (NM_001351834.2); c.641-17108C>T (NM_001330368.2); c.*38+9041C>T (NM_001351110.2); short protein forms S2310N.
Identifiers: ClinVar variation 453651 (VCV000453651.13), dbSNP rs1381019767, ClinGen allele CA382557159.
Genomic context (GRCh38, chr11:108,326,179, plus strand): 5'-AGTGGCAGCTGGAAGAAGCACAAGTATTCTGGGCAAAAAAGGAGCAGAGTCTTGCCCTGA[G>A]TATTCTCAAGCAAATGATCAAGAAGTTGGATGCCAGCTGTGCAGCGGTTTGTTTTTTTTA-3'
Protein context (NP_000042.3, residues 2300-2320): WAKKEQSLAL[Ser2310Asn]ILKQMIKKLD